The following is an entry in ClinVar:

ClinVar aggregate classification (germline): Uncertain significance (1 of 4 stars; one submission).

Allele frequency attached by ClinVar (database versions not stated): gnomAD exomes below 0.00001.
gnomAD v4.1: 6 of 1,614,176 alleles (0.00037%); highest among the groups gnomAD compares: Non-Finnish European, 0.00051%; no homozygotes.

Submission:

CeGaT Center for Human Genetics Tuebingen
Classification: Uncertain significance. Last evaluated: 2024-02-01. Review status: criteria provided, single submitter. Criteria: CeGaT Center For Human Genetics Tuebingen Variant Classification Criteria Version 2. Collection method: clinical testing. Allele origin: germline. Affected: yes. Observed: 1 variant allele.
Comment: EDNRA: PM2, BP4

NM_001957.4(EDNRA):c.704A>G (p.Gln235Arg)

Gene: EDNRA (endothelin receptor type A; plus strand). Cytogenetic location: 4q31.23.
Variant type: single nucleotide variant.
Coding change: c.704A>G on transcript NM_001957.4 (MANE Select); coding-DNA position 704, A replaced by G.
Protein change: p.Gln235Arg; replaces glutamine 235 with arginine.
Molecular consequence: missense variant. On other transcripts: non-coding transcript variant (1), intron variant (1).
Genome position (GRCh38, 1-based): chr4:147,532,661, A>G. VCF-style: chr4-147532661-A-G. GRCh37 (hg19) VCF-style: chr4-148453813-A-G.
Other names: c.421-3216A>G (NM_001166055.2); short protein forms Q235R.
Identifiers: ClinVar variation 3026326 (VCV003026326.22), dbSNP rs2530403624, ClinGen allele CA358422223.
Genomic context (GRCh38, chr4:147,532,661, plus strand): 5'-TCCTGGCCATTCCTGAAGCGATTGGCTTCGTCATGGTACCCTTTGAATATAGGGGTGAAC[A>G]GCATAAAACCTGTATGCTCAATGCCACATCAAAATTCATGGAGGTACTAAACGTTTAAAA-3'
Protein context (NP_001948.1, residues 225-245): VMVPFEYRGE[Gln235Arg]HKTCMLNATS